The following is an entry in ClinVar:

ClinVar aggregate classification (germline): Uncertain significance (1 of 4 stars; one submission).

Submission:

GeneDx
Classification: Uncertain significance. Last evaluated: 2023-12-07. Review status: criteria provided, single submitter. Criteria: GeneDx Variant Classification Process June 2021. Collection method: clinical testing. Allele origin: germline. Affected: yes.
Comment: Not observed at significant frequency in large population cohorts (gnomAD); In silico analysis supports that this missense variant has a deleterious effect on protein structure/function; Has not been previously published as pathogenic or benign to our knowledge

NM_000937.5(POLR2A):c.5383C>T (p.Pro1795Ser)

Gene: POLR2A (RNA polymerase II subunit A; plus strand). Cytogenetic location: 17p13.1.
Variant type: single nucleotide variant.
Coding change: c.5383C>T on transcript NM_000937.5 (MANE Select); coding-DNA position 5383, C replaced by T.
Protein change: p.Pro1795Ser; replaces proline 1795 with serine.
Molecular consequence: missense variant.
Genome position (GRCh38, 1-based): chr17:7,513,647, C>T. VCF-style: chr17-7513647-C-T. GRCh37 (hg19) VCF-style: chr17-7416966-C-T.
Other names: short protein forms P1795S.
Identifiers: ClinVar variation 3365255 (VCV003365255.1).